The following is an entry in ClinVar:

NM_000038.6(APC):c.3818G>A (p.Arg1273Lys)

Gene: APC (APC regulator of Wnt signaling pathway; plus strand). Cytogenetic location: 5q22.2.
Variant type: single nucleotide variant.
Coding change: c.3818G>A on transcript NM_000038.6 (MANE Select); coding-DNA position 3818, G replaced by A.
Protein change: p.Arg1273Lys; replaces arginine 1273 with lysine.
Molecular consequence: missense variant. On other transcripts: non-coding transcript variant (2).
Genome position (GRCh38, 1-based): chr5:112,839,412, G>A. VCF-style: chr5-112839412-G-A. GRCh37 (hg19) VCF-style: chr5-112175109-G-A.
Other names: c.3818G>A, p.Arg1273Lys (NM_001354895.2, NM_001407450.1, NM_001127510.3); c.3872G>A, p.Arg1291Lys (NM_001354896.2, NM_001407447.1, NM_001407448.1 and 1 more transcripts); c.3848G>A, p.Arg1283Lys (NM_001354897.2); c.3743G>A, p.Arg1248Lys (NM_001354898.2); c.3734G>A, p.Arg1245Lys (NM_001354899.2); c.3695G>A, p.Arg1232Lys (NM_001354900.2); c.3641G>A, p.Arg1214Lys (NM_001354901.2, NM_001407453.1); c.3545G>A, p.Arg1182Lys (NM_001354902.2); and 11 more; short protein forms R1113K, R1144K, R1147K, R1172K, R1182K, R1190K, R1214K, R1232K.
Identifiers: ClinVar variation 4861747 (VCV004861747.1).

ClinVar aggregate classification (germline): Uncertain significance (1 of 4 stars; one submission).

Conditions:
Hereditary cancer-predisposing syndrome. Also called: Neoplastic Syndromes, Hereditary; Tumor predisposition; Hereditary Cancer Syndrome; Hereditary neoplastic syndrome. Identifiers: Orphanet 140162, MedGen C0027672, MeSH D009386, MONDO:0015356.

Submission:

Ambry Genetics
Classification: Uncertain significance for Hereditary cancer-predisposing syndrome. Last evaluated: 2026-05-20. Review status: criteria provided, single submitter. Criteria: Ambry Variant Classification Scheme 2023. Collection method: clinical testing. Allele origin: germline.
Comment: The p.R1273K variant (also known as c.3818G>A), located in coding exon 15 of the APC gene, results from a G to A substitution at nucleotide position 3818. The arginine at codon 1273 is replaced by lysine, an amino acid with highly similar properties. This amino acid position is conserved. In addition, in silico predictors for this gene do not accurately predict pathogenicity. Based on the available evidence, the clinical significance of this variant remains unclear.